The following is an entry in ClinVar:

ClinVar aggregate classification (germline): Uncertain significance. Review status: criteria provided, multiple submitters, no conflicts (2 of 4 stars). 3 submissions from 3 submitters: Uncertain significance (2). 1 of the submissions does not count toward it. Last evaluated 2024-11-11.

Conditions:
Dystrophin deficiency.
Cardiomyopathy (CMYO). Also called: Cardiomyopathies. Identifiers: Orphanet 167848, MedGen C0878544, MONDO:0004994, HP:0001638. Inheritance: Various modes of inheritance.
Becker muscular dystrophy (BMD). Also called: Becker Muscular Dystrophy (BMD); MUSCULAR DYSTROPHY, PSEUDOHYPERTROPHIC PROGRESSIVE, BECKER TYPE. Identifiers: Orphanet 98895, MedGen C0917713, MONDO:0010311, OMIM 300376.
Duchenne muscular dystrophy (DMD). Also called: Duchenne Muscular Dystrophy (DMD); MUSCULAR DYSTROPHY, PSEUDOHYPERTROPHIC PROGRESSIVE, DUCHENNE TYPE. Identifiers: Orphanet 98896, MedGen C0013264, MONDO:0010679, OMIM 310200.

Submissions (3):

Labcorp Genetics (formerly Invitae), Labcorp
Classification: Uncertain significance for Duchenne muscular dystrophy. Last evaluated: 2024-11-11. Review status: criteria provided, single submitter. Criteria: Invitae Variant Classification Sherloc (09022015). Collection method: clinical testing. Allele origin: germline.
Comment: This sequence change replaces histidine, which is basic and polar, with tyrosine, which is neutral and polar, at codon 382 of the DMD protein (p.His382Tyr). This variant is not present in population databases (gnomAD no frequency). This variant has not been reported in the literature in individuals affected with DMD-related conditions. ClinVar contains an entry for this variant (Variation ID: 546378). Invitae Evidence Modeling of protein sequence and biophysical properties (such as structural, functional, and spatial information, amino acid conservation, physicochemical variation, residue mobility, and thermodynamic stability) indicates that this missense variant is not expected to disrupt DMD protein function with a negative predictive value of 95%. In summary, the available evidence is currently insufficient to determine the role of this variant in disease. Therefore, it has been classified as a Variant of Uncertain Significance.

GeneDx
Classification: Uncertain significance. Last evaluated: 2018-05-14. Review status: criteria provided, single submitter. Criteria: GeneDx Variant Classification (06012015). Collection method: clinical testing. Allele origin: germline. Affected: yes.
Comment: The H382Y variant has not been published as a pathogenic variant, nor has it been reported as a benign variant to our knowledge. The H382Y variant is not observed in large population cohorts (Lek et al., 2016). This variant is a non-conservative amino acid substitution, which is likely to impact secondary protein structure as these residues differ in polarity, charge, size and/or other properties. In-silico analyses, including protein predictors and evolutionary conservation, support a deleterious effect.

Natera, Inc.
Classification: Uncertain significance for Becker muscular dystrophy; Cardiomyopathy; Duchenne muscular dystrophy; Dystrophin deficiency. Last evaluated: 2021-10-05. Review status: no assertion criteria provided. Collection method: clinical testing. Allele origin: germline. Not counted in ClinVar's aggregate classification.

NM_004006.3(DMD):c.1144C>T (p.His382Tyr)

Gene: DMD (dystrophin; minus strand). Cytogenetic location: Xp21.1.
Variant type: single nucleotide variant.
Coding change: c.1144C>T on transcript NM_004006.3 (MANE Select); coding-DNA position 1144, C replaced by T.
Protein change: p.His382Tyr; replaces histidine 382 with tyrosine.
Molecular consequence: missense variant.
Genome position (GRCh38, 1-based): chrX:32,644,969, G>A on the plus strand (C>T on the coding strand, the complement: DMD is on the minus strand). VCF-style: chrX-32644969-G-A. GRCh37 (hg19) VCF-style: chrX-32663086-G-A.
Other names: c.1120C>T, p.His374Tyr (NM_000109.4); c.1132C>T, p.His378Tyr (NM_004009.3); c.775C>T, p.His259Tyr (NM_004010.3); short protein forms H382Y, H378Y, H259Y, H374Y.
Identifiers: ClinVar variation 546378 (VCV000546378.8), dbSNP rs1556876180, ClinGen allele CA412661635.